The following is an entry in ClinVar:

ClinVar aggregate classification (germline): Uncertain significance (1 of 4 stars; one submission).

Conditions:
Ataxia-telangiectasia syndrome (AT). Also called: Ataxia-telangiectasia, complementation group D; AT, COMPLEMENTATION GROUP C; ATAXIA-TELANGIECTASIA, COMPLEMENTATION GROUP A; ATAXIA-TELANGIECTASIA, FRESNO VARIANT; Ataxia-telangiectasia; Ataxia telangiectasia (A-T). Identifiers: Orphanet 100, MedGen C0004135, MONDO:0008840, OMIM 208900.

Allele frequency attached by ClinVar (database versions not stated): gnomAD exomes below 0.00001.
gnomAD v4.1: 1 of 1,614,020 alleles (0.000062%); highest among the groups gnomAD compares: East Asian, 0.0022%; no homozygotes.

Submission:

Labcorp Genetics (formerly Invitae), Labcorp
Classification: Uncertain significance for Ataxia-telangiectasia syndrome. Last evaluated: 2019-07-31. Review status: criteria provided, single submitter. Criteria: Invitae Variant Classification Sherloc (09022015). Collection method: clinical testing. Allele origin: germline.
Comment: In summary, the available evidence is currently insufficient to determine the role of this variant in disease. Therefore, it has been classified as a Variant of Uncertain Significance. Algorithms developed to predict the effect of missense changes on protein structure and function (SIFT, PolyPhen-2, Align-GVGD) all suggest that this variant is likely to be disruptive, but these predictions have not been confirmed by published functional studies and their clinical significance is uncertain. This variant has not been reported in the literature in individuals with ATM-related conditions. This variant is not present in population databases (ExAC no frequency). This sequence change replaces glycine with aspartic acid at codon 2777 of the ATM protein (p.Gly2777Asp). The glycine residue is highly conserved and there is a moderate physicochemical difference between glycine and aspartic acid.

NM_000051.4(ATM):c.8330G>A (p.Gly2777Asp)

Genes: ATM (ATM serine/threonine kinase; plus strand), C11orf65 (chromosome 11 open reading frame 65; minus strand). Cytogenetic location: 11q22.3.
Variant type: single nucleotide variant.
Coding change: c.8330G>A on transcript NM_000051.4 (MANE Select); coding-DNA position 8330, G replaced by A.
Protein change: p.Gly2777Asp; replaces glycine 2777 with aspartic acid.
Molecular consequence: missense variant. On other transcripts: intron variant (2).
Genome position (GRCh38, 1-based): chr11:108,343,283, G>A. VCF-style: chr11-108343283-G-A. GRCh37 (hg19) VCF-style: chr11-108214010-G-A.
Other names: c.8330G>A, p.Gly2777Asp (NM_001351834.2); c.641-34212C>T (NM_001330368.2); c.695-7991C>T (NM_001351110.2); short protein forms G2777D.
Identifiers: ClinVar variation 945064 (VCV000945064.10), dbSNP rs879254240, ClinGen allele CA382516421.